The following is an entry in ClinVar:

NM_024675.4(PALB2):c.48+19G>A

Gene: PALB2 (partner and localizer of BRCA2; minus strand). Cytogenetic location: 16p12.2.
Variant type: single nucleotide variant.
Coding change: c.48+19G>A on transcript NM_024675.4 (MANE Select); 19 bases into the intron after coding-DNA position 48, G replaced by A.
Molecular consequence: intron variant.
Genome position (GRCh38, 1-based): chr16:23,641,091, C>T on the plus strand (G>A on the coding strand, the complement: PALB2 is on the minus strand). VCF-style: chr16-23641091-C-T. GRCh37 (hg19) VCF-style: chr16-23652412-C-T.
Identifiers: ClinVar variation 389913 (VCV000389913.12), dbSNP rs1057523580, ClinGen allele CA16607005.

ClinVar aggregate classification (germline): Likely benign. Review status: criteria provided, multiple submitters, no conflicts (2 of 4 stars). 3 submissions from 3 submitters: Likely benign (3). Last evaluated 2024-07-21.

Conditions:
Hereditary cancer-predisposing syndrome. Also called: Hereditary Cancer Syndrome; Hereditary neoplastic syndrome; Neoplastic Syndromes, Hereditary; Tumor predisposition. Identifiers: Orphanet 140162, MedGen C0027672, MeSH D009386, MONDO:0015356.
Familial cancer of breast. Also called: Hereditary breast cancer; hereditary breast carcinoma; BREAST CANCER, FAMILIAL. Identifiers: Orphanet 227535, MedGen C0346153, MONDO:0016419, OMIM 114480. Disease mechanism: loss of function.

Allele frequency attached by ClinVar (database versions not stated): gnomAD exomes below 0.00001; gnomAD 0.00001.
gnomAD v4.1: 1 of 1,612,458 alleles (0.000062%); highest among the groups gnomAD compares: East Asian, 0.0022%; no homozygotes.

Submissions (3):

Labcorp Genetics (formerly Invitae), Labcorp
Classification: Likely benign for Familial cancer of breast. Last evaluated: 2024-07-21. Review status: criteria provided, single submitter. Criteria: Invitae Variant Classification Sherloc (09022015). Collection method: clinical testing. Allele origin: germline.

Color Diagnostics, LLC DBA Color Health
Classification: Likely benign for Hereditary cancer-predisposing syndrome. Last evaluated: 2017-02-15. Review status: criteria provided, single submitter. Criteria: ACMG Guidelines, 2015. Collection method: clinical testing. Allele origin: germline.

GeneDx
Classification: Likely benign. Last evaluated: 2016-10-10. Review status: criteria provided, single submitter. Criteria: GeneDx Variant Classification (06012015). Collection method: clinical testing. Allele origin: germline. Affected: yes.
Comment: This variant is considered likely benign or benign based on one or more of the following criteria: it is a conservative change, it occurs at a poorly conserved position in the protein, it is predicted to be benign by multiple in silico algorithms, and/or has population frequency not consistent with disease.